The following is an entry in ClinVar:

ClinVar aggregate classification (germline): Uncertain significance (1 of 4 stars; one submission).

Submission:

Labcorp Genetics (formerly Invitae), Labcorp
Classification: Uncertain significance. Last evaluated: 2024-01-10. Review status: criteria provided, single submitter. Criteria: Invitae Variant Classification Sherloc (09022015). Collection method: clinical testing. Allele origin: germline.
Comment: This variant, c.268_270dup, results in the insertion of 1 amino acid(s) of the ABRAXAS1 protein (p.Ser90dup), but otherwise preserves the integrity of the reading frame. This variant is not present in population databases (gnomAD no frequency). This variant has not been reported in the literature in individuals affected with ABRAXAS1-related conditions. ClinVar contains an entry for this variant (Variation ID: 1420379). Experimental studies and prediction algorithms are not available or were not evaluated, and the functional significance of this variant is currently unknown. In summary, the available evidence is currently insufficient to determine the role of this variant in disease. Therefore, it has been classified as a Variant of Uncertain Significance.

NM_139076.3(ABRAXAS1):c.268_270dup (p.Ser90dup)

Gene: ABRAXAS1 (abraxas 1, BRCA1 A complex subunit; minus strand). Cytogenetic location: 4q21.23.
Variant type: Duplication.
Coding change: c.268_270dup on transcript NM_139076.3 (MANE Select); coding-DNA positions 268 to 270, 3 bases duplicated (TCA; older notation c.268_270dupTCA).
Protein change: p.Ser90dup; duplicates serine 90.
Molecular consequence: inframe insertion. On other transcripts: intron variant (1).
Genome position (GRCh38, 1-based): chr4:83,472,234-83,472,236, TGA duplicated on the plus strand (TCA on the coding strand, the reverse complement: ABRAXAS1 is on the minus strand); duplicating any 3 consecutive bases within chr4:83,472,234-83,472,237 gives the same sequence; the c. name uses the placement nearest the transcript's 3' end. VCF-style (leftmost placement, unchanged base first): chr4-83472233-T-TTGA. GRCh37 (hg19) VCF-style: chr4-84393386-T-TTGA.
Other names: c.-45-1840_-45-1838dup (NM_001345962.2).
Identifiers: ClinVar variation 1420379 (VCV001420379.8), dbSNP rs2110041387, ClinGen allele CA2573138368.